The following is an entry in ClinVar:

ClinVar aggregate classification (germline): Uncertain significance (1 of 4 stars; one submission).

Submission:

Mayo Clinic Laboratories, Mayo Clinic
Classification: Uncertain significance. Last evaluated: 2024-05-03. Review status: criteria provided, single submitter. Criteria: ACMG Guidelines, 2015. Collection method: clinical testing. Allele origin: germline. Observed: 1 variant allele.
Comment: PP3, PM1_supporting, PM2_moderate

NM_000552.5(VWF):c.2638G>A (p.Gly880Arg)

Gene: VWF (von Willebrand factor; minus strand). Cytogenetic location: 12p13.31.
Variant type: single nucleotide variant.
Coding change: c.2638G>A on transcript NM_000552.5 (MANE Select); coding-DNA position 2638, G replaced by A.
Protein change: p.Gly880Arg; replaces glycine 880 with arginine.
Molecular consequence: missense variant.
Genome position (GRCh38, 1-based): chr12:6,034,735, C>T on the plus strand (G>A on the coding strand, the complement: VWF is on the minus strand). VCF-style: chr12-6034735-C-T. GRCh37 (hg19) VCF-style: chr12-6143901-C-T.
Other names: p.Gly880Arg; short protein forms G880R.
Identifiers: ClinVar variation 3380076 (VCV003380076.1).
Genomic context (GRCh38, chr12:6,034,735, plus strand): 5'-CCCCACCTCTCACCTGCACCAGAACGTACTGGCACTCCCCGGGGAACAGGTATTTGAGCC[C>T]GTCGAAGGTGAGGTAGTGGGCCATGCCGATCGTGGAGCACGTGGCATCACACACATGGTC-3'
Protein context (NP_000543.3, residues 870-890): IGMAHYLTFD[Gly880Arg]LKYLFPGECQ